The following is an entry in ClinVar:

NM_000780.4(CYP7A1):c.1216-4G>T

Genes: CYP7A1 (cytochrome P450 family 7 subfamily A member 1; minus strand), LOC126860400 (BRD4-independent group 4 enhancer GRCh37_chr8:59404317-59405516; plus strand). Cytogenetic location: 8q12.1.
Variant type: single nucleotide variant.
Coding change: c.1216-4G>T on transcript NM_000780.4 (MANE Select); 4 bases into the intron before coding-DNA position 1216, G replaced by T.
Molecular consequence: intron variant.
Genome position (GRCh38, 1-based): chr8:58,491,778, C>A on the plus strand (G>T on the coding strand, the complement: CYP7A1 is on the minus strand). VCF-style: chr8-58491778-C-A. GRCh37 (hg19) VCF-style: chr8-59404337-C-A.
Identifiers: ClinVar variation 4995525 (VCV004995525.1).

ClinVar aggregate classification (germline): Likely benign (1 of 4 stars; one submission).

Conditions:
CYP7A1-related disorder. Also called: CYP7A1-related condition.

gnomAD v4.1: 9 of 1,611,536 alleles (0.00056%); highest among the groups gnomAD compares: East Asian, 0.02%; no homozygotes.

Submission:

PreventionGenetics, part of Exact Sciences
Classification: Likely benign for CYP7A1-related condition. Last evaluated: 2026-06-17. Review status: criteria provided, single submitter. Criteria: ACMG Guidelines, 2015. Collection method: clinical testing. Allele origin: germline.
Comment: This variant is classified as likely benign based on ACMG/AMP sequence variant interpretation guidelines (Richards et al. 2015 PMID: 25741868, with internal and published modifications).